The following continues an entry in ClinVar:

NM_014780.5(CUL7):c.4295-14C>A

Gene: CUL7. ClinVar aggregate classification (germline): Benign/Likely benign. Benign (3); Likely benign (1).

Submissions 32 to 53 of 53:

Dr. Peter K. Rogan Lab, Western University
No classification provided (evidence only). Condition: Ovarian serous cystadenocarcinoma. Review status: no classification provided. Collection method: in vitro. Allele origin: not applicable. Functional consequence: retained intron. Not counted in ClinVar's aggregate classification.

Dr. Peter K. Rogan Lab, Western University
No classification provided (evidence only). Condition: Ovarian serous cystadenocarcinoma. Review status: no classification provided. Collection method: in vitro. Allele origin: not applicable. Functional consequence: retained intron. Not counted in ClinVar's aggregate classification.

Dr. Peter K. Rogan Lab, Western University
No classification provided (evidence only). Condition: Ovarian serous cystadenocarcinoma. Review status: no classification provided. Collection method: in vitro. Allele origin: not applicable. Functional consequence: retained intron. Not counted in ClinVar's aggregate classification.

Dr. Peter K. Rogan Lab, Western University
No classification provided (evidence only). Condition: Ovarian serous cystadenocarcinoma. Review status: no classification provided. Collection method: in vitro. Allele origin: not applicable. Functional consequence: retained intron. Not counted in ClinVar's aggregate classification.

Dr. Peter K. Rogan Lab, Western University
No classification provided (evidence only). Condition: Gastric cancer. Review status: no classification provided. Collection method: in vitro. Allele origin: not applicable. Functional consequence: retained intron. Not counted in ClinVar's aggregate classification.

Dr. Peter K. Rogan Lab, Western University
No classification provided (evidence only). Condition: Gastric cancer. Review status: no classification provided. Collection method: in vitro. Allele origin: not applicable. Functional consequence: retained intron. Not counted in ClinVar's aggregate classification.

Dr. Peter K. Rogan Lab, Western University
No classification provided (evidence only). Condition: Gastric cancer. Review status: no classification provided. Collection method: in vitro. Allele origin: not applicable. Functional consequence: retained intron. Not counted in ClinVar's aggregate classification.

Dr. Peter K. Rogan Lab, Western University
No classification provided (evidence only). Condition: Gastric cancer. Review status: no classification provided. Collection method: in vitro. Allele origin: not applicable. Functional consequence: retained intron. Not counted in ClinVar's aggregate classification.

Dr. Peter K. Rogan Lab, Western University
No classification provided (evidence only). Condition: Uterine carcinosarcoma. Review status: no classification provided. Collection method: in vitro. Allele origin: not applicable. Functional consequence: retained intron. Not counted in ClinVar's aggregate classification.

Dr. Peter K. Rogan Lab, Western University
No classification provided (evidence only). Condition: Uterine carcinosarcoma. Review status: no classification provided. Collection method: in vitro. Allele origin: not applicable. Functional consequence: retained intron. Not counted in ClinVar's aggregate classification.

Dr. Peter K. Rogan Lab, Western University
No classification provided (evidence only). Condition: Malignant tumor of esophagus. Review status: no classification provided. Collection method: in vitro. Allele origin: not applicable. Functional consequence: retained intron. Not counted in ClinVar's aggregate classification.

Dr. Peter K. Rogan Lab, Western University
No classification provided (evidence only). Condition: Malignant tumor of esophagus. Review status: no classification provided. Collection method: in vitro. Allele origin: not applicable. Functional consequence: retained intron. Not counted in ClinVar's aggregate classification.

Dr. Peter K. Rogan Lab, Western University
No classification provided (evidence only). Condition: Malignant tumor of esophagus. Review status: no classification provided. Collection method: in vitro. Allele origin: not applicable. Functional consequence: retained intron. Not counted in ClinVar's aggregate classification.

Dr. Peter K. Rogan Lab, Western University
No classification provided (evidence only). Condition: Chronic lymphocytic leukemia/small lymphocytic lymphoma. Review status: no classification provided. Collection method: in vitro. Allele origin: not applicable. Functional consequence: retained intron. Not counted in ClinVar's aggregate classification.

Dr. Peter K. Rogan Lab, Western University
No classification provided (evidence only). Condition: Chronic lymphocytic leukemia/small lymphocytic lymphoma. Review status: no classification provided. Collection method: in vitro. Allele origin: not applicable. Functional consequence: retained intron. Not counted in ClinVar's aggregate classification.

Dr. Peter K. Rogan Lab, Western University
No classification provided (evidence only). Condition: Chronic lymphocytic leukemia/small lymphocytic lymphoma. Review status: no classification provided. Collection method: in vitro. Allele origin: not applicable. Functional consequence: retained intron. Not counted in ClinVar's aggregate classification.

Dr. Peter K. Rogan Lab, Western University
No classification provided (evidence only). Condition: Chronic lymphocytic leukemia/small lymphocytic lymphoma. Review status: no classification provided. Collection method: in vitro. Allele origin: not applicable. Functional consequence: skipped exon, retained intron. Not counted in ClinVar's aggregate classification.

Dr. Peter K. Rogan Lab, Western University
No classification provided (evidence only). Condition: Lymphoma. Review status: no classification provided. Collection method: in vitro. Allele origin: not applicable. Functional consequence: retained intron. Not counted in ClinVar's aggregate classification.

Dr. Peter K. Rogan Lab, Western University
No classification provided (evidence only). Condition: Lymphoma. Review status: no classification provided. Collection method: in vitro. Allele origin: not applicable. Functional consequence: skipped exon, retained intron. Not counted in ClinVar's aggregate classification.

Dr. Peter K. Rogan Lab, Western University
No classification provided (evidence only). Condition: Lymphoma. Review status: no classification provided. Collection method: in vitro. Allele origin: not applicable. Functional consequence: retained intron. Not counted in ClinVar's aggregate classification.

Dr. Peter K. Rogan Lab, Western University
No classification provided (evidence only). Condition: Lymphoma. Review status: no classification provided. Collection method: in vitro. Allele origin: not applicable. Functional consequence: retained intron. Not counted in ClinVar's aggregate classification.

Dr. Peter K. Rogan Lab, Western University
No classification provided (evidence only). Condition: Ovarian cancer. Review status: no classification provided. Collection method: in vitro. Allele origin: not applicable. Functional consequence: retained intron. Not counted in ClinVar's aggregate classification.